The following is an entry in ClinVar:

NM_000548.5(TSC2):c.3610+170A>C

Gene: TSC2 (TSC complex subunit 2; plus strand). Cytogenetic location: 16p13.3.
Variant type: single nucleotide variant.
Coding change: c.3610+170A>C on transcript NM_000548.5 (MANE Select); 170 bases into the intron after coding-DNA position 3610, A replaced by C.
Molecular consequence: intron variant.
Genome position (GRCh38, 1-based): chr16:2,080,547, A>C. VCF-style: chr16-2080547-A-C. GRCh37 (hg19) VCF-style: chr16-2130548-A-C.
Other names: c.3610+170A>C (NM_001114382.3); c.3481+170A>C (NM_021055.3, NM_001370405.1, NM_001363528.2); c.3478+170A>C (NM_001370404.1, NM_001077183.3); c.3370+170A>C (NM_001318827.2); c.2878+170A>C (NM_001318831.2); c.3334+170A>C (NM_001318829.2); c.3511+170A>C (NM_001318832.2).
Identifiers: ClinVar variation 674437 (VCV000674437.1), dbSNP rs9933952, ClinGen allele CA14309702.

ClinVar aggregate classification (germline): Benign (1 of 4 stars; one submission).

Allele frequency attached by ClinVar (database versions not stated): 1000 Genomes Project 0.04872; TOPMed 0.05112; 1000 Genomes Project 30x 0.05153.
gnomAD v4.1: 9,853 of 753,366 alleles (1.3%); highest among the groups gnomAD compares: African/African-American, 15%; 699 homozygotes.

Submission:

GeneDx
Classification: Benign. Last evaluated: 2018-06-19. Review status: criteria provided, single submitter. Criteria: GeneDx Variant Classification (06012015). Collection method: clinical testing. Allele origin: germline. Affected: yes.
Comment: This variant is considered likely benign or benign based on one or more of the following criteria: it is a conservative change, it occurs at a poorly conserved position in the protein, it is predicted to be benign by multiple in silico algorithms, and/or has population frequency not consistent with disease.